The following is an entry in ClinVar:

NM_000052.7(ATP7A):c.1537G>A (p.Glu513Lys)

Gene: ATP7A (ATPase copper transporting alpha; plus strand). Cytogenetic location: Xq21.1.
Variant type: single nucleotide variant.
Coding change: c.1537G>A on transcript NM_000052.7 (MANE Select); coding-DNA position 1537, G replaced by A.
Protein change: p.Glu513Lys; replaces glutamic acid 513 with lysine.
Molecular consequence: missense variant.
Genome position (GRCh38, 1-based): chrX:77,998,678, G>A. VCF-style: chrX-77998678-G-A. GRCh37 (hg19) VCF-style: chrX-77254175-G-A.
Other names: c.1537G>A, p.Glu513Lys (NM_001282224.2); short protein forms E513K.
Identifiers: ClinVar variation 1029449 (VCV001029449.1), dbSNP rs1569549699, ClinGen allele CA413595139.

ClinVar aggregate classification (germline): Uncertain significance (1 of 4 stars; one submission).

Conditions:
Cutis laxa, X-linked (OHS). Also called: EDS IX; Occipital horn syndrome. Identifiers: Orphanet 198, MedGen C0268353, MONDO:0010572, OMIM 304150.

Submission:

Baylor Genetics
Classification: Uncertain significance for Cutis laxa, X-linked. Last evaluated: 2020-08-25. Review status: criteria provided, single submitter. Criteria: ACMG Guidelines, 2015. Collection method: clinical testing. Allele origin: unknown. Affected: yes.
Comment: This variant was determined to be of uncertain significance according to ACMG Guidelines, 2015 [PMID:25741868].